The following is an entry in ClinVar:

NM_024665.7(TBL1XR1):c.1118del (p.Thr372_Leu373insTer)

Genes: TBL1XR1-AS1 (TBL1XR1 antisense RNA 1; plus strand), TBL1XR1 (TBL1X/Y related 1; minus strand), LOC126806878 (CDK7 strongly-dependent group 2 enhancer GRCh37_chr3:176755168-176756367; plus strand). Cytogenetic location: 3q26.32.
Variant type: Deletion.
Coding change: c.1118del on transcript NM_024665.7 (MANE Select); coding-DNA position 1118, one base deleted (T; older notation c.1118delT).
Protein change: p.Thr372_Leu373insTer.
Molecular consequence: nonsense.
Genome position (GRCh38, 1-based): chr3:177,038,102, A deleted on the plus strand (T on the coding strand, the reverse complement: TBL1XR1 is on the minus strand); the first of 3 consecutive A bases (chr3:177,038,102-177,038,104); deleting any one gives the same sequence. VCF-style (leftmost placement, unchanged base first): chr3-177038101-TA-T. GRCh37 (hg19) VCF-style: chr3-176755889-TA-T.
Other names: c.1118del, p.Thr372_Leu373insTer (NM_001321193.3, NM_001321194.3, NM_001374327.1 and 2 more transcripts); c.857del, p.Thr285_Leu286insTer (NM_001321195.3, NM_001374330.1).
Identifiers: ClinVar variation 4850898 (VCV004850898.1).

ClinVar aggregate classification (germline): Pathogenic (1 of 4 stars; one submission).

Conditions:
Intellectual developmental disorder, autosomal dominant 41. Also called: Intellectual disability, autosomal dominant 41. Identifiers: Orphanet 2823, MedGen C4310784, MONDO:0014842, OMIM 616944.

Submission:

Molecular Genetics Laboratory, Motol Hospital
Classification: Pathogenic for Intellectual developmental disorder, autosomal dominant 41. Last evaluated: 2026-05-11. Review status: criteria provided, single submitter. Criteria: ACMG Guidelines, 2015. Collection method: clinical testing. Allele origin: de novo. Inheritance: Sporadic. Affected: yes. Observed: 1 variant allele, 1 heterozygote.
Comment: Rare variant not present in non-Finnish European population (PM2). Rare truncating variants in the TBL1XR1 gene are associated with autosomal dominant intellectual developmental disorder 41 (OMIM:616944) (PVS1). The variant is classified as pathogenic.

Literature cited by the submitters: PubMed 38378692; PubMed 41444645; PubMed 40426223.